The following is an entry in ClinVar:

NM_178862.3(STT3B):c.778-17C>A

Gene: STT3B (STT3 oligosaccharyltransferase complex catalytic subunit B; plus strand). Cytogenetic location: 3p23.
Variant type: single nucleotide variant.
Coding change: c.778-17C>A on transcript NM_178862.3 (MANE Select); 17 bases into the intron before coding-DNA position 778, C replaced by A.
Molecular consequence: intron variant.
Genome position (GRCh38, 1-based): chr3:31,600,343, C>A. VCF-style: chr3-31600343-C-A. GRCh37 (hg19) VCF-style: chr3-31641835-C-A.
Identifiers: ClinVar variation 380173 (VCV000380173.9), dbSNP rs11705765, ClinGen allele CA2295033.

ClinVar aggregate classification (germline): Benign. Review status: criteria provided, multiple submitters, no conflicts (2 of 4 stars). 3 submissions from 3 submitters: Benign (3). Last evaluated 2026-01-31.

Conditions:
STT3B-congenital disorder of glycosylation. Also called: STT3B-CDG; CDG Ix; Congenital disorder of glycosylation type 1x. Identifiers: Orphanet 370924, MedGen C2931007, MONDO:0014271, OMIM 615597.

Allele frequency attached by ClinVar (database versions not stated): 1000 Genomes Project 30x 0.03576; 1000 Genomes Project 0.03714; TOPMed 0.04680; gnomAD 0.05239 and 0.05310; ESP Exome Variant Server 0.05462; gnomAD exomes 0.06267; ExAC 0.06849.
gnomAD v4.1: 76,122 of 1,133,546 alleles (6.7%); highest among the groups gnomAD compares: South Asian, 8.3%; 2,986 homozygotes.

Submissions (3):

Labcorp Genetics (formerly Invitae), Labcorp
Classification: Benign for STT3B-congenital disorder of glycosylation. Last evaluated: 2026-01-31. Review status: criteria provided, single submitter. Criteria: Invitae Variant Classification Sherloc (09022015). Collection method: clinical testing. Allele origin: germline.

GeneDx
Classification: Benign. Last evaluated: 2015-12-02. Review status: criteria provided, single submitter. Criteria: GeneDx Variant Classification (06012015). Collection method: clinical testing. Allele origin: germline. Affected: yes.
Comment: This variant is considered likely benign or benign based on one or more of the following criteria: it is a conservative change, it occurs at a poorly conserved position in the protein, it is predicted to be benign by multiple in silico algorithms, and/or has population frequency not consistent with disease.

Breakthrough Genomics
Classification: Benign. Review status: criteria provided, single submitter. Criteria: ACMG Guidelines, 2015. Collection method: not provided. Allele origin: germline. Inheritance: Autosomal recessive inheritance. Affected: yes.